The following is an entry in ClinVar:

NM_206933.4(USH2A):c.9478G>A (p.Val3160Met)

Gene: USH2A (usherin; minus strand). Cytogenetic location: 1q41.
Variant type: single nucleotide variant.
Coding change: c.9478G>A on transcript NM_206933.4 (MANE Select); coding-DNA position 9478, G replaced by A.
Protein change: p.Val3160Met; replaces valine 3160 with methionine.
Molecular consequence: missense variant.
Genome position (GRCh38, 1-based): chr1:215,817,089, C>T on the plus strand (G>A on the coding strand, the complement: USH2A is on the minus strand). VCF-style: chr1-215817089-C-T. GRCh37 (hg19) VCF-style: chr1-215990431-C-T.
Other names: c.9478G>A (NM_206933.2); short protein forms V3160M.
Identifiers: ClinVar variation 2188030 (VCV002188030.2), dbSNP rs1333448210, ClinGen allele CA344824814.

ClinVar aggregate classification (germline): Uncertain significance. Review status: criteria provided, multiple submitters, no conflicts (2 of 4 stars). 2 submissions from 2 submitters: Uncertain significance (2). Last evaluated 2025-01-27.

Allele frequency attached by ClinVar (database versions not stated): gnomAD exomes below 0.00001; TOPMed below 0.00001; gnomAD 0.00001.
gnomAD v4.1: 4 of 1,612,756 alleles (0.00025%); highest among the groups gnomAD compares: Admixed American, 0.0067%; no homozygotes.

Submissions (2):

GeneDx
Classification: Uncertain significance. Last evaluated: 2025-01-27. Review status: criteria provided, single submitter. Criteria: GeneDx Variant Classification Process June 2021. Collection method: clinical testing. Allele origin: germline. Affected: yes.
Comment: Not observed at significant frequency in large population cohorts (gnomAD); In silico analysis indicates that this missense variant does not alter protein structure/function; Has not been previously published as pathogenic or benign to our knowledge

Labcorp Genetics (formerly Invitae), Labcorp
Classification: Uncertain significance. Last evaluated: 2022-03-04. Review status: criteria provided, single submitter. Criteria: Invitae Variant Classification Sherloc (09022015). Collection method: clinical testing. Allele origin: germline.
Comment: This sequence change replaces valine, which is neutral and non-polar, with methionine, which is neutral and non-polar, at codon 3160 of the USH2A protein (p.Val3160Met). This variant is present in population databases (no rsID available, gnomAD 0.003%). This variant has not been reported in the literature in individuals affected with USH2A-related conditions. Algorithms developed to predict the effect of missense changes on protein structure and function output the following: SIFT: "Tolerated"; PolyPhen-2: "Benign"; Align-GVGD: "Class C0". The methionine amino acid residue is found in multiple mammalian species, which suggests that this missense change does not adversely affect protein function. In summary, the available evidence is currently insufficient to determine the role of this variant in disease. Therefore, it has been classified as a Variant of Uncertain Significance.